The following is an entry in ClinVar:

NM_000824.5(GLRB):c.148C>T (p.Arg50Ter)

Gene: GLRB (glycine receptor beta; plus strand). Cytogenetic location: 4q32.1.
Variant type: single nucleotide variant.
Coding change: c.148C>T on transcript NM_000824.5 (MANE Select); coding-DNA position 148, C replaced by T.
Protein change: p.Arg50Ter; replaces arginine 50 with a stop codon.
Molecular consequence: nonsense. On other transcripts: 5 prime UTR variant (1).
Genome position (GRCh38, 1-based): chr4:157,120,581, C>T. VCF-style: chr4-157120581-C-T. GRCh37 (hg19) VCF-style: chr4-158041733-C-T.
Other names: c.148C>T, p.Arg50Ter (NM_001166060.2, NM_001166061.2); c.-147C>T (NM_001440545.1); short protein forms R50*.
Identifiers: ClinVar variation 4850291 (VCV004850291.1).

ClinVar aggregate classification (germline): Pathogenic (1 of 4 stars; one submission).

Conditions:
Hyperekplexia 2 (HKPX2). Identifiers: Orphanet 3197, MedGen C3553291, MONDO:0013828, OMIM 614619.

gnomAD v4.1: 3 of 1,598,098 alleles (0.00019%); highest among the groups gnomAD compares: Non-Finnish European, 0.00026%; no homozygotes.

Submission:

First Genomix Gene Laboratory, Genetic Diagnostics Department
Classification: Pathogenic for Hyperekplexia 2. Last evaluated: 2025-09-24. Review status: criteria provided, single submitter. Criteria: ACMG Guidelines, 2015. Collection method: clinical testing. Allele origin: germline. Inheritance: Autosomal recessive inheritance. Affected: yes. Observed: 1 variant allele, 1 homozygote.
Comment: In the literature, this variant has been reported in a compound heterozygous state in a patient with hyperekplexia (PMID: 23182654).

Literature cited by the submitters: PubMed 23182654.